The following is an entry in ClinVar:

ClinVar aggregate classification (germline): Uncertain significance (1 of 4 stars; one submission).

Allele frequency attached by ClinVar (database versions not stated): ExAC 0.00001; gnomAD 0.00001; ESP Exome Variant Server 0.00008.
gnomAD v4.1: 2 of 1,614,040 alleles (0.00012%); highest among the groups gnomAD compares: African/African-American, 0.0027%; no homozygotes.

Submission:

Labcorp Genetics (formerly Invitae), Labcorp
Classification: Uncertain significance. Last evaluated: 2022-02-05. Review status: criteria provided, single submitter. Criteria: Invitae Variant Classification Sherloc (09022015). Collection method: clinical testing. Allele origin: germline.
Comment: In summary, the available evidence is currently insufficient to determine the role of this variant in disease. Therefore, it has been classified as a Variant of Uncertain Significance. Algorithms developed to predict the effect of missense changes on protein structure and function are either unavailable or do not agree on the potential impact of this missense change (SIFT: "Deleterious"; PolyPhen-2: "Probably Damaging"; Align-GVGD: "Class C15"). This variant has not been reported in the literature in individuals affected with VDR-related conditions. This variant is present in population databases (rs376478613, gnomAD 0.008%). This sequence change replaces proline, which is neutral and non-polar, with leucine, which is neutral and non-polar, at codon 228 of the VDR protein (p.Pro228Leu).

NM_000376.3(VDR):c.683C>T (p.Pro228Leu)

Gene: VDR (vitamin D receptor; minus strand). Cytogenetic location: 12q13.11.
Variant type: single nucleotide variant.
Coding change: c.683C>T on transcript NM_000376.3 (MANE Select); coding-DNA position 683, C replaced by T.
Protein change: p.Pro228Leu; replaces proline 228 with leucine.
Molecular consequence: missense variant.
Genome position (GRCh38, 1-based): chr12:47,855,702, G>A on the plus strand (C>T on the coding strand, the complement: VDR is on the minus strand). VCF-style: chr12-47855702-G-A. GRCh37 (hg19) VCF-style: chr12-48249485-G-A.
Other names: c.683C>T, p.Pro228Leu (NM_001017535.2, NM_001364085.2, NM_001374661.1 and 1 more transcripts); c.833C>T, p.Pro278Leu (NM_001017536.2); short protein forms P278L, P228L.
Identifiers: ClinVar variation 2093377 (VCV002093377.4), dbSNP rs376478613, ClinGen allele CA6533878.